The following is an entry in ClinVar:

ClinVar aggregate classification (germline): Uncertain significance (1 of 4 stars; one submission).

Conditions:
Accelerated tumor formation, susceptibility to (ACTFS). Identifiers: MedGen C3280690, OMIM 614401, MONDO:0013733.

Allele frequency attached by ClinVar (database versions not stated): TOPMed below 0.00001; ExAC 0.00001; ESP Exome Variant Server 0.00008.
gnomAD v4.1: 2 of 1,613,438 alleles (0.00012%); no homozygotes.

Submission:

Labcorp Genetics (formerly Invitae), Labcorp
Classification: Uncertain significance for Accelerated tumor formation, susceptibility to. Last evaluated: 2023-06-16. Review status: criteria provided, single submitter. Criteria: Invitae Variant Classification Sherloc (09022015). Collection method: clinical testing. Allele origin: germline.
Comment: In summary, the available evidence is currently insufficient to determine the role of this variant in disease. Therefore, it has been classified as a Variant of Uncertain Significance. Algorithms developed to predict the effect of missense changes on protein structure and function output the following: SIFT: "Not Available"; PolyPhen-2: "Benign"; Align-GVGD: "Not Available". The proline amino acid residue is found in multiple mammalian species, which suggests that this missense change does not adversely affect protein function. This variant has not been reported in the literature in individuals affected with MDM2-related conditions. This variant is present in population databases (rs375992646, gnomAD 0.01%). This sequence change replaces leucine, which is neutral and non-polar, with proline, which is neutral and non-polar, at codon 148 of the MDM2 protein (p.Leu148Pro).

NM_002392.6(MDM2):c.443T>C (p.Leu148Pro)

Gene: MDM2 (MDM2 proto-oncogene; plus strand). Cytogenetic location: 12q15.
Variant type: single nucleotide variant.
Coding change: c.443T>C on transcript NM_002392.6 (MANE Select); coding-DNA position 443, T replaced by C.
Protein change: p.Leu148Pro; replaces leucine 148 with proline.
Molecular consequence: missense variant. On other transcripts: intron variant (3).
Genome position (GRCh38, 1-based): chr12:68,824,571, T>C. VCF-style: chr12-68824571-T-C. GRCh37 (hg19) VCF-style: chr12-69218351-T-C.
Other names: c.425T>C, p.Leu142Pro (NM_001145337.3, NM_001367990.1); c.358+4197T>C (NM_001145339.2); c.156+10943T>C (NM_001278462.2, NM_001145340.3); short protein forms L142P, L148P.
Identifiers: ClinVar variation 2909970 (VCV002909970.3), dbSNP rs375992646, ClinGen allele CA6678684.
Genomic context (GRCh38, chr12:68,824,571, plus strand): 5'-TTATGTTAAGTTTGTTGTATTTTATTTTTTTCCTAAATGCTTAGGACCTTGTACAAGAGC[T>C]TCAGGAAGAGAAACCTTCATCTTCACATTTGGTTTCTAGACCATCTACCTCATCTAGAAG-3'
Protein context (NP_002383.2, residues 138-158): GSDQKDLVQE[Leu148Pro]QEEKPSSSHL